The following is an entry in ClinVar:

NM_020779.4(WDR35):c.2446C>T (p.Arg816Trp)

Gene: WDR35 (WD repeat domain 35; minus strand). Cytogenetic location: 2p24.1.
Variant type: single nucleotide variant.
Coding change: c.2446C>T on transcript NM_020779.4 (MANE Select); coding-DNA position 2446, C replaced by T.
Protein change: p.Arg816Trp; replaces arginine 816 with tryptophan.
Molecular consequence: missense variant.
Genome position (GRCh38, 1-based): chr2:19,935,572, G>A on the plus strand (C>T on the coding strand, the complement: WDR35 is on the minus strand). VCF-style: chr2-19935572-G-A. GRCh37 (hg19) VCF-style: chr2-20135333-G-A.
Other names: c.2479C>T, p.Arg827Trp (NM_001006657.2); short protein forms R827W, R816W.
Identifiers: ClinVar variation 451432 (VCV000451432.9), dbSNP rs374027943, ClinGen allele CA1542942.

ClinVar aggregate classification (germline): Uncertain significance. Review status: criteria provided, multiple submitters, no conflicts (2 of 4 stars). 3 submissions from 3 submitters: Uncertain significance (3). Last evaluated 2026-01-05.

Conditions:
Inborn genetic diseases. Identifiers: MedGen C0950123, MeSH D030342.
Cranioectodermal dysplasia 2 (CED2). Identifiers: Orphanet 1515, MedGen C3150874, MONDO:0013323, OMIM 613610.
Short-rib thoracic dysplasia 7 with or without polydactyly (SRTD7). Also called: Short rib polydactyly syndrome 5; SHORT-RIB THORACIC DYSPLASIA 7 WITH POLYDACTYLY. Identifiers: Orphanet 498497, Orphanet 93271, MedGen C3279792, MONDO:0013569, OMIM 614091.

Allele frequency attached by ClinVar (database versions not stated): TOPMed 0.00001; gnomAD 0.00003; gnomAD exomes 0.00003; ESP Exome Variant Server 0.00008.
gnomAD v4.1: 40 of 1,612,586 alleles (0.0025%); highest among the groups gnomAD compares: East Asian, 0.0067%; no homozygotes.

Submissions (3):

Labcorp Genetics (formerly Invitae), Labcorp
Classification: Uncertain significance for Cranioectodermal dysplasia 2; Short-rib thoracic dysplasia 7 with or without polydactyly. Last evaluated: 2026-01-05. Review status: criteria provided, single submitter. Criteria: Invitae Variant Classification Sherloc (09022015). Collection method: clinical testing. Allele origin: germline.
Comment: This sequence change replaces arginine, which is basic and polar, with tryptophan, which is neutral and slightly polar, at codon 827 of the WDR35 protein (p.Arg827Trp). This variant is present in population databases (rs374027943, gnomAD 0.005%). This variant has not been reported in the literature in individuals affected with WDR35-related conditions. ClinVar contains an entry for this variant (Variation ID: 451432). Invitae Evidence Modeling of protein sequence and biophysical properties (such as structural, functional, and spatial information, amino acid conservation, physicochemical variation, residue mobility, and thermodynamic stability) has been performed for this missense variant. However, the output from this modeling did not meet the statistical confidence thresholds required to predict the impact of this variant on WDR35 protein function. In summary, the available evidence is currently insufficient to determine the role of this variant in disease. Therefore, it has been classified as a Variant of Uncertain Significance.

Ambry Genetics
Classification: Uncertain significance for Inborn genetic diseases. Last evaluated: 2024-01-12. Review status: criteria provided, single submitter. Criteria: Ambry Variant Classification Scheme 2023. Collection method: clinical testing. Allele origin: germline.

GeneDx
Classification: Uncertain significance. Last evaluated: 2020-11-02. Review status: criteria provided, single submitter. Criteria: GeneDx Variant Classification Process June 2021. Collection method: clinical testing. Allele origin: germline. Affected: yes.
Comment: Not observed at a significant frequency in large population cohorts (Lek et al., 2016); In silico analysis, which includes protein predictors and evolutionary conservation, supports a deleterious effect; Has not been previously published as pathogenic or benign to our knowledge